The following is an entry in ClinVar:

NM_014336.5(AIPL1):c.547G>T (p.Gly183Ter)

Gene: AIPL1 (AIP like 1 HSP90 co-chaperone; minus strand). Cytogenetic location: 17p13.2.
Variant type: single nucleotide variant.
Coding change: c.547G>T on transcript NM_014336.5 (MANE Select); coding-DNA position 547, G replaced by T.
Protein change: p.Gly183Ter; replaces glycine 183 with a stop codon.
Molecular consequence: nonsense.
Genome position (GRCh38, 1-based): chr17:6,426,976, C>A on the plus strand (G>T on the coding strand, the complement: AIPL1 is on the minus strand). VCF-style: chr17-6426976-C-A. GRCh37 (hg19) VCF-style: chr17-6330296-C-A.
Other names: c.358G>T, p.Gly120Ter (NM_001033054.3); c.367G>T, p.Gly123Ter (NM_001033055.3); c.511G>T, p.Gly171Ter (NM_001285399.3); c.481G>T, p.Gly161Ter (NM_001285400.3); c.547G>T, p.Gly183Ter (NM_001285401.3); c.430G>T, p.Gly144Ter (NM_001285402.2); c.523G>T, p.Gly175Ter (NM_001285403.4); short protein forms G161*, G175*, G144*, G120*, G183*, G123*, G171*.
Identifiers: ClinVar variation 848588 (VCV000848588.9), dbSNP rs374255033, ClinGen allele CA397395526.
Genomic context (GRCh38, chr17:6,426,976, plus strand): 5'-CCTGGTACTTGGAAGAGGCCTCCTCGTAGCGGCCCAGCTTGAAGAGCCGATTTCCCTCTC[C>A]GTGGAGGACGGGCACCGCCTTCATCTTCTCATGATTGCTCAGGTTCCAGGTCTCCCTCTG-3'

ClinVar aggregate classification (germline): Pathogenic (1 of 4 stars; one submission).

Conditions:
Leber congenital amaurosis 4 (LCA4). Identifiers: MedGen C1858386, MONDO:0011458, OMIM 604393.

gnomAD v4.1: 2 of 1,614,212 alleles (0.00012%); highest among the groups gnomAD compares: Admixed American, 0.0017%; no homozygotes.

Submission:

Labcorp Genetics (formerly Invitae), Labcorp
Classification: Pathogenic for Leber congenital amaurosis 4. Last evaluated: 2024-09-17. Review status: criteria provided, single submitter. Criteria: Invitae Variant Classification Sherloc (09022015). Collection method: clinical testing. Allele origin: germline.
Comment: This sequence change creates a premature translational stop signal (p.Gly183*) in the AIPL1 gene. It is expected to result in an absent or disrupted protein product. Loss-of-function variants in AIPL1 are known to be pathogenic (PMID: 10615133, 15249368, 15347646). This variant is not present in population databases (gnomAD no frequency). This premature translational stop signal has been observed in individual(s) with clinical features of Leber congenital amaurosis (PMID: 17964524). ClinVar contains an entry for this variant (Variation ID: 848588). For these reasons, this variant has been classified as Pathogenic.

Literature cited by the submitters: PubMed 10615133; PubMed 15249368; PubMed 15347646; PubMed 17964524.